The following is an entry in ClinVar:

ClinVar aggregate classification (germline): Uncertain significance. Review status: criteria provided, multiple submitters, no conflicts (2 of 4 stars). 4 submissions from 4 submitters: Uncertain significance (4). Last evaluated 2025-10-30.

Conditions:
Osteogenesis imperfecta type 8 (OI8). Identifiers: MedGen C1970458, MONDO:0012581, OMIM 610915.
Inborn genetic diseases. Identifiers: MedGen C0950123, MeSH D030342.

Allele frequency attached by ClinVar (database versions not stated): ExAC 0.00001; gnomAD exomes 0.00001 and 0.00003; gnomAD 0.00002; TOPMed 0.00004.

Submissions (4):

Ambry Genetics
Classification: Uncertain significance for Inborn genetic diseases. Last evaluated: 2025-10-30. Review status: criteria provided, single submitter. Criteria: Ambry Variant Classification Scheme 2023. Collection method: clinical testing. Allele origin: germline.

Genome-Nilou Lab
Classification: Uncertain significance for Osteogenesis imperfecta type 8. Last evaluated: 2023-04-11. Review status: criteria provided, single submitter. Criteria: ACMG Guidelines, 2015. Collection method: clinical testing. Allele origin: germline. Affected: no.

Labcorp Genetics (formerly Invitae), Labcorp
Classification: Uncertain significance for Osteogenesis imperfecta type 8. Last evaluated: 2022-08-21. Review status: criteria provided, single submitter. Criteria: Invitae Variant Classification Sherloc (09022015). Collection method: clinical testing. Allele origin: germline.
Comment: This sequence change replaces tyrosine, which is neutral and polar, with cysteine, which is neutral and slightly polar, at codon 539 of the P3H1 protein (p.Tyr539Cys). This variant is present in population databases (rs772654104, gnomAD 0.002%). This variant has not been reported in the literature in individuals affected with P3H1-related conditions. ClinVar contains an entry for this variant (Variation ID: 536812). Algorithms developed to predict the effect of missense changes on protein structure and function (SIFT, PolyPhen-2, Align-GVGD) all suggest that this variant is likely to be tolerated. In summary, the available evidence is currently insufficient to determine the role of this variant in disease. Therefore, it has been classified as a Variant of Uncertain Significance.

ARUP Laboratories, Molecular Genetics and Genomics, ARUP Laboratories
Classification: Uncertain significance for Osteogenesis imperfecta type 8. Last evaluated: 2020-02-14. Review status: criteria provided, single submitter. Criteria: ARUP Molecular Germline Variant Investigation Process. Collection method: clinical testing. Allele origin: germline.
Comment: The P3H1 c.1616A>G, p.Tyr539Cys variant (rs772654104), to our knowledge, is not reported in the medical literature but is reported as uncertain in ClinVar (Variation ID: 536812). This variant is found in the general population with an overall allele frequency of 0.001% ([3/251,136 alleles) in the Genome Aggregation Database. The tyrosine at codon 539 is weakly conserved, and computational analyses (SIFT: damaging, PolyPhen-2: benign) predict conflicting effects of this variant on protein structure/function. Due to limited information, the clinical significance of the p.Tyr539Cys variant is uncertain at this time.

NM_022356.4(P3H1):c.1616A>G (p.Tyr539Cys)

Gene: P3H1 (prolyl 3-hydroxylase 1; minus strand). Cytogenetic location: 1p34.2.
Variant type: single nucleotide variant.
Coding change: c.1616A>G on transcript NM_022356.4 (MANE Select); coding-DNA position 1616, A replaced by G.
Protein change: p.Tyr539Cys; replaces tyrosine 539 with cysteine.
Molecular consequence: missense variant.
Genome position (GRCh38, 1-based): chr1:42,750,290, T>C on the plus strand (A>G on the coding strand, the complement: P3H1 is on the minus strand). VCF-style: chr1-42750290-T-C. GRCh37 (hg19) VCF-style: chr1-43215961-T-C.
Other names: c.1616A>G, p.Tyr539Cys (NM_001146289.2, NM_001243246.2); short protein forms Y539C.
Identifiers: ClinVar variation 536812 (VCV000536812.16), dbSNP rs772654104, ClinGen allele CA801759.